The following is an entry in ClinVar:

NM_021939.4(FKBP10):c.1075C>A (p.Pro359Thr)

Gene: FKBP10 (FKBP prolyl isomerase 10; plus strand). Cytogenetic location: 17q21.2.
Variant type: single nucleotide variant.
Coding change: c.1075C>A on transcript NM_021939.4 (MANE Select); coding-DNA position 1075, C replaced by A.
Protein change: p.Pro359Thr; replaces proline 359 with threonine.
Molecular consequence: missense variant.
Genome position (GRCh38, 1-based): chr17:41,820,280, C>A. VCF-style: chr17-41820280-C-A. GRCh37 (hg19) VCF-style: chr17-39976532-C-A.
Other names: short protein forms P359T.
Identifiers: ClinVar variation 1358365 (VCV001358365.6), dbSNP rs2144063564, ClinGen allele CA399517006.

ClinVar aggregate classification (germline): Uncertain significance (1 of 4 stars; one submission).

Submission:

Labcorp Genetics (formerly Invitae), Labcorp
Classification: Uncertain significance. Last evaluated: 2021-08-04. Review status: criteria provided, single submitter. Criteria: Invitae Variant Classification Sherloc (09022015). Collection method: clinical testing. Allele origin: germline.
Comment: In summary, the available evidence is currently insufficient to determine the role of this variant in disease. Therefore, it has been classified as a Variant of Uncertain Significance. Algorithms developed to predict the effect of missense changes on protein structure and function (SIFT, PolyPhen-2, Align-GVGD) all suggest that this variant is likely to be disruptive. This variant has not been reported in the literature in individuals affected with FKBP10-related conditions. This variant is not present in population databases (ExAC no frequency). This sequence change replaces proline with threonine at codon 359 of the FKBP10 protein (p.Pro359Thr). The proline residue is highly conserved and there is a small physicochemical difference between proline and threonine.